The following is an entry in ClinVar:

NM_004385.5(VCAN):c.249C>A (p.Val83=)

Gene: VCAN (versican; plus strand). Cytogenetic location: 5q14.2.
Variant type: single nucleotide variant.
Coding change: c.249C>A on transcript NM_004385.5 (MANE Select); coding-DNA position 249, C replaced by A.
Protein change: p.Val83=; no amino-acid change (valine 83 retained).
Molecular consequence: synonymous variant.
Genome position (GRCh38, 1-based): chr5:83,490,276, C>A. VCF-style: chr5-83490276-C-A. GRCh37 (hg19) VCF-style: chr5-82786095-C-A.
Other names: c.249C>A, p.Val83= (NM_001126336.3, NM_001164097.2, NM_001164098.2).
Identifiers: ClinVar variation 905572 (VCV000905572.34), dbSNP rs751640388, ClinGen allele CA3332416.

ClinVar aggregate classification (germline): Likely benign. Review status: criteria provided, multiple submitters, no conflicts (2 of 4 stars). 5 submissions from 4 submitters: Likely benign (5). Last evaluated 2024-11-14.

Conditions:
Vitreoretinopathy. Also called: Vitreoretinal degeneration. Identifiers: MedGen C0344290, MONDO:0020248, HP:0007773.
Wagner disease. Also called: Wagner Vitreoretinal Degeneration (Wagner Synrdome); WAGNER SYNDROME 1; HYALOIDEORETINAL DEGENERATION OF WAGNER; Wagner syndrome; WAGNER VITREORETINAL DEGENERATION; WAGNER VITREORETINOPATHY. Identifiers: Orphanet 898, MedGen C1840452, MONDO:0007740, OMIM 143200.

Allele frequency attached by ClinVar (database versions not stated): ExAC 0.00002; gnomAD exomes 0.00002; TOPMed 0.00003; gnomAD 0.00005.
gnomAD v4.1: 101 of 1,614,186 alleles (0.0063%); highest among the groups gnomAD compares: Non-Finnish European, 0.0081%; no homozygotes.

Submissions (5):

Labcorp Genetics (formerly Invitae), Labcorp
Classification: Likely benign. Last evaluated: 2024-11-14. Review status: criteria provided, single submitter. Criteria: Invitae Variant Classification Sherloc (09022015). Collection method: clinical testing. Allele origin: germline.

CeGaT Center for Human Genetics Tuebingen
Classification: Likely benign. Last evaluated: 2024-01-01. Review status: criteria provided, single submitter. Criteria: CeGaT Center For Human Genetics Tuebingen Variant Classification Criteria Version 2. Collection method: clinical testing. Allele origin: germline. Affected: yes. Observed: 1 variant allele.
Comment: VCAN: BP4, BP7

Blueprint Genetics
Classification: Likely benign. Last evaluated: 2022-05-20. Review status: criteria provided, single submitter. Criteria: ACMG Guidelines, 2015. Collection method: clinical testing. Allele origin: germline.

Illumina Laboratory Services, Illumina
Classification: Likely benign for Wagner disease. Last evaluated: 2018-01-13. Review status: criteria provided, single submitter. Criteria: ICSL Variant Classification Criteria 13 December 2019. Collection method: clinical testing. Allele origin: germline.
Comment: This variant was observed in the ICSL laboratory as part of a predisposition screen in an ostensibly healthy population. It had not been previously curated by ICSL or reported in the Human Gene Mutation Database (HGMD: prior to June 1st, 2018), and was therefore a candidate for classification through an automated scoring system. Utilizing variant allele frequency, disease prevalence and penetrance estimates, and inheritance mode, an automated score was calculated to assess if this variant is too frequent to cause the disease. Based on the score and internal cut-off values, a variant classified as likely benign is not then subjected to further curation. The score for this variant resulted in a classification of likely benign for this disease.

Illumina Laboratory Services, Illumina
Classification: Likely benign for Vitreoretinopathy. Last evaluated: 2018-01-13. Review status: criteria provided, single submitter. Criteria: ICSL Variant Classification Criteria 13 December 2019. Collection method: clinical testing. Allele origin: germline.
Comment: the same text as in the submission from Illumina Laboratory Services, Illumina above.